The following is an entry in ClinVar:

NM_004304.5(ALK):c.1418A>T (p.Lys473Ile)

Gene: ALK (ALK receptor tyrosine kinase; minus strand). Cytogenetic location: 2p23.2.
Variant type: single nucleotide variant.
Coding change: c.1418A>T on transcript NM_004304.5 (MANE Select); coding-DNA position 1418, A replaced by T.
Protein change: p.Lys473Ile; replaces lysine 473 with isoleucine.
Molecular consequence: missense variant.
Genome position (GRCh38, 1-based): chr2:29,320,879, T>A on the plus strand (A>T on the coding strand, the complement: ALK is on the minus strand). VCF-style: chr2-29320879-T-A. GRCh37 (hg19) VCF-style: chr2-29543745-T-A.
Other names: short protein forms K473I.
Identifiers: ClinVar variation 574857 (VCV000574857.13), dbSNP rs768799403, ClinGen allele CA1594644.
Genomic context (GRCh38, chr2:29,320,879, plus strand): 5'-GTGCCTTGGGTCCAGCCACAGAAGCCATCTTCAAAGTTGCAGTAAAAACCCACAGGCAGT[T>A]TCCCTATGGAGAGAGCAGAGAGGCACCATCATTTTCAGGACCACTAAAGGCAAAATATGC-3'
Protein context (NP_004295.2, residues 463-483): QGEDESQMCR[Lys473Ile]LPVGFYCNFE

ClinVar aggregate classification (germline): Uncertain significance. Review status: criteria provided, multiple submitters, no conflicts (2 of 4 stars). 3 submissions from 3 submitters: Uncertain significance (3). Last evaluated 2026-08-06.

Conditions:
Neuroblastoma, susceptibility to, 3. Also called: ALK-Related Neuroblastic Tumor Susceptibility. Identifiers: Orphanet 635, MedGen C2751681, MONDO:0013083, OMIM 613014.
Hereditary cancer-predisposing syndrome. Also called: Neoplastic Syndromes, Hereditary; Tumor predisposition; Hereditary Cancer Syndrome; Hereditary neoplastic syndrome. Identifiers: Orphanet 140162, MedGen C0027672, MeSH D009386, MONDO:0015356.

Allele frequency attached by ClinVar (database versions not stated): ExAC 0.00001; gnomAD exomes 0.00001 and below 0.00001; TOPMed 0.00001.
gnomAD v4.1: 4 of 1,614,166 alleles (0.00025%); highest among the groups gnomAD compares: Admixed American, 0.0033%; no homozygotes.

Submissions (3):

OLLIN Analises Genomicas, OLLIN
Classification: Uncertain significance for Neuroblastoma, susceptibility to, 3. Last evaluated: 2026-08-06. Review status: criteria provided, single submitter. Criteria: ACMG Guidelines 2015 PMID 25741868. Collection method: clinical testing. Allele origin: germline.
Comment: This missense variant, located in exon 7 (of 29), has been reported in ClinVar (accession VCV000574857.12) and in gnomAD with an allele frequency of 0.00025%. However, to our knowledge, it has not been reported in the scientific literature. In silico analysis predicts that this variant has a tolerated effect. According to the currently available evidence, this variant has been classified as uncertain significance (BP4).

Labcorp Genetics (formerly Invitae), Labcorp
Classification: Uncertain significance for Neuroblastoma, susceptibility to, 3. Last evaluated: 2025-08-03. Review status: criteria provided, single submitter. Criteria: Invitae Variant Classification Sherloc (09022015). Collection method: clinical testing. Allele origin: germline.
Comment: This sequence change replaces lysine, which is basic and polar, with isoleucine, which is neutral and non-polar, at codon 473 of the ALK protein (p.Lys473Ile). This variant is present in population databases (rs768799403, gnomAD 0.006%). This variant has not been reported in the literature in individuals affected with ALK-related conditions. ClinVar contains an entry for this variant (Variation ID: 574857). An algorithm developed to predict the effect of missense changes on protein structure and function (PolyPhen-2) suggests that this variant is likely to be tolerated. In summary, the available evidence is currently insufficient to determine the role of this variant in disease. Therefore, it has been classified as a Variant of Uncertain Significance.

Ambry Genetics
Classification: Uncertain significance for Hereditary cancer-predisposing syndrome. Last evaluated: 2025-01-07. Review status: criteria provided, single submitter. Criteria: Ambry Variant Classification Scheme 2023. Collection method: clinical testing. Allele origin: germline.
Comment: The p.K473I variant (also known as c.1418A>T), located in coding exon 7 of the ALK gene, results from an A to T substitution at nucleotide position 1418. The lysine at codon 473 is replaced by isoleucine, an amino acid with dissimilar properties. This amino acid position is conserved. In addition, this alteration is predicted to be tolerated by in silico analysis. Since supporting evidence is limited at this time, the clinical significance of this alteration remains unclear.